The following is an entry in ClinVar:

ClinVar aggregate classification (germline): Benign (1 of 4 stars; one submission).

Conditions:
Childhood apraxia of speech (SPCH1). Also called: DEVELOPMENTAL VERBAL DYSPRAXIA; Speech language disorder; FOXP2-Related Speech and Language Disorder; SPEECH AND LANGUAGE DISORDER WITH OROFACIAL DYSPRAXIA. Identifiers: Orphanet 209908, MedGen C0750927, MONDO:0011184, OMIM 602081.

Allele frequency attached by ClinVar (database versions not stated): gnomAD 0.00003 and 0.00006; ExAC 0.00009; gnomAD exomes 0.00009 and 0.00014; TOPMed 0.00012; 1000 Genomes Project 30x 0.00047; 1000 Genomes Project 0.00060.
gnomAD v4.1: 34 of 453,760 alleles (0.0075%); highest among the groups gnomAD compares: East Asian, 0.21%; no homozygotes.

Submission:

Illumina Laboratory Services, Illumina
Classification: Benign for Childhood apraxia of speech. Last evaluated: 2018-01-13. Review status: criteria provided, single submitter. Criteria: ICSL Variant Classification Criteria 13 December 2019. Collection method: clinical testing. Allele origin: germline.
Comment: This variant was observed in the ICSL laboratory as part of a predisposition screen in an ostensibly healthy population. It had not been previously curated by ICSL or reported in the Human Gene Mutation Database (HGMD: prior to June 1st, 2018), and was therefore a candidate for classification through an automated scoring system. Utilizing variant allele frequency, disease prevalence and penetrance estimates, and inheritance mode, an automated score was calculated to assess if this variant is too frequent to cause the disease. Based on the score and internal cut-off values, a variant classified as benign is not then subjected to further curation. The score for this variant resulted in a classification of benign for this disease.

NM_014491.4(FOXP2):c.*3423C>T

Gene: FOXP2 (forkhead box P2; plus strand). Cytogenetic location: 7q31.1.
Variant type: single nucleotide variant.
Coding change: c.*3423C>T on transcript NM_014491.4 (MANE Select); 3423 bases downstream of the stop codon, C replaced by T.
Molecular consequence: 3 prime UTR variant. On other transcripts: non-coding transcript variant (2).
Genome position (GRCh38, 1-based): chr7:114,693,349, C>T. VCF-style: chr7-114693349-C-T. GRCh37 (hg19) VCF-style: chr7-114333404-C-T.
Other names: c.*3423C>T (NM_001172766.3, NM_148898.4, NM_148900.4).
Identifiers: ClinVar variation 358665 (VCV000358665.5), dbSNP rs117309491, ClinGen allele CA4446507.
Genomic context (GRCh38, chr7:114,693,349, plus strand): 5'-CTTTGTGATTAGGGAATCGAAGAATAGTCAGCTAGGAATAGAGCTACAGAAGTACACTTA[C>T]ATAAACCATCCTGGACTTTAATGTCCCTGGGCAGATTCAGTCGCAAAATCCAATATGATA-3'